The following is an entry in ClinVar:

ClinVar aggregate classification (germline): Likely benign (1 of 4 stars; one submission).

Submission:

CeGaT Center for Human Genetics Tuebingen
Classification: Likely benign. Last evaluated: 2023-07-01. Review status: criteria provided, single submitter. Criteria: CeGaT Center For Human Genetics Tuebingen Variant Classification Criteria Version 2. Collection method: clinical testing. Allele origin: germline. Affected: yes. Observed: 1 variant allele.
Comment: KMT2C: PM2:Supporting, BP4, BP7

NM_170606.3(KMT2C):c.1029C>T (p.Asn343=)

Genes: KMT2C (lysine methyltransferase 2C; minus strand), LOC123956272 (Sharpr-MPRA regulatory region 15588; plus strand). Cytogenetic location: 7q36.1.
Variant type: single nucleotide variant.
Coding change: c.1029C>T on transcript NM_170606.3 (MANE Select); coding-DNA position 1029, C replaced by T.
Protein change: p.Asn343=; no amino-acid change (asparagine 343 retained).
Molecular consequence: synonymous variant.
Genome position (GRCh38, 1-based): chr7:152,265,193, G>A on the plus strand (C>T on the coding strand, the complement: KMT2C is on the minus strand). VCF-style: chr7-152265193-G-A. GRCh37 (hg19) VCF-style: chr7-151962278-G-A.
Identifiers: ClinVar variation 2658242 (VCV002658242.24), dbSNP rs2129173596, ClinGen allele CA458696295.
Genomic context (GRCh38, chr7:152,265,193, plus strand): 5'-ACCACAAGTAGTACAAAAGAACTGATCTAAGAGGTCTCCCGGGCTGTCGCACACTGCACA[G>A]TTTGCATCTTCCTTCGCTATAATTAACAGTGAAACAATGAAATTGTTGTATAAGAATTTA-3'
Protein context (NP_733751.2, residues 333-353): QAPERSKEDA[Asn343=]CAVCDSPGDL